The following is an entry in ClinVar:

ClinVar aggregate classification (germline): Uncertain significance (1 of 4 stars; one submission).

Conditions:
Hyperphosphatasia with impaired intellectual development syndrome 2. Also called: Hyperphosphatasia with intellectual disability syndrome 2; GLYCOSYLPHOSPHATIDYLINOSITOL BIOSYNTHESIS DEFECT 6. Identifiers: Orphanet 247262, MedGen C3553637, MONDO:0013882, OMIM 614749.

Allele frequency attached by ClinVar (database versions not stated): gnomAD exomes below 0.00001; TOPMed 0.00002.
gnomAD v4.1: 2 of 1,613,512 alleles (0.00012%); highest among the groups gnomAD compares: Non-Finnish European, 0.00017%; no homozygotes.

Submission:

Labcorp Genetics (formerly Invitae), Labcorp
Classification: Uncertain significance for Hyperphosphatasia with impaired intellectual development syndrome 2. Last evaluated: 2024-02-08. Review status: criteria provided, single submitter. Criteria: Invitae Variant Classification Sherloc (09022015). Collection method: clinical testing. Allele origin: germline.
Comment: This sequence change replaces serine, which is neutral and polar, with leucine, which is neutral and non-polar, at codon 753 of the PIGO protein (p.Ser753Leu). This variant is not present in population databases (gnomAD no frequency). This variant has not been reported in the literature in individuals affected with PIGO-related conditions. ClinVar contains an entry for this variant (Variation ID: 835363). Algorithms developed to predict the effect of missense changes on protein structure and function output the following: SIFT: "Not Available"; PolyPhen-2: "Benign"; Align-GVGD: "Not Available". The leucine amino acid residue is found in multiple mammalian species, which suggests that this missense change does not adversely affect protein function. In summary, the available evidence is currently insufficient to determine the role of this variant in disease. Therefore, it has been classified as a Variant of Uncertain Significance.

NM_032634.4(PIGO):c.2258C>T (p.Ser753Leu)

Gene: PIGO (phosphatidylinositol glycan anchor biosynthesis class O; minus strand). Cytogenetic location: 9p13.3.
Variant type: single nucleotide variant.
Coding change: c.2258C>T on transcript NM_032634.4 (MANE Select); coding-DNA position 2258, C replaced by T.
Protein change: p.Ser753Leu; replaces serine 753 with leucine.
Molecular consequence: missense variant. On other transcripts: intron variant (2).
Genome position (GRCh38, 1-based): chr9:35,091,629, G>A on the plus strand (C>T on the coding strand, the complement: PIGO is on the minus strand). VCF-style: chr9-35091629-G-A. GRCh37 (hg19) VCF-style: chr9-35091626-G-A.
Other names: c.1345-338C>T (NM_152850.4, NM_001201484.2); short protein forms S753L.
Identifiers: ClinVar variation 835363 (VCV000835363.7), dbSNP rs1473159434, ClinGen allele CA373320463.